The following is an entry in ClinVar:

NM_000760.4(CSF3R):c.1613T>C (p.Ile538Thr)

Gene: CSF3R (colony stimulating factor 3 receptor; minus strand). Cytogenetic location: 1p34.3.
Variant type: single nucleotide variant.
Coding change: c.1613T>C on transcript NM_000760.4 (MANE Select); coding-DNA position 1613, T replaced by C.
Protein change: p.Ile538Thr; replaces isoleucine 538 with threonine.
Molecular consequence: missense variant.
Genome position (GRCh38, 1-based): chr1:36,468,185, A>G on the plus strand (T>C on the coding strand, the complement: CSF3R is on the minus strand). VCF-style: chr1-36468185-A-G. GRCh37 (hg19) VCF-style: chr1-36933786-A-G.
Other names: c.1613T>C (NM_000760.3); c.1613T>C, p.Ile538Thr (NM_156039.3, NM_172313.3); short protein forms I538T.
Identifiers: ClinVar variation 1041961 (VCV001041961.12), dbSNP rs756719784, ClinGen allele CA769130.
Genomic context (GRCh38, chr1:36,468,185, plus strand): 5'-GGGCTCTTCCCCAGCTCAGGGGGCTCAGGCACCCACTCCAGCTGTGCCCAGGTCTTGCCA[A>G]TGTGCTTTAGATGCAGCTCTGGGGCATGGGAGGGAGCTATGGGAAGAGAGAGGTGCGGGG-3'
Protein context (NP_000751.1, residues 528-548): SHAPELHLKH[Ile538Thr]GKTWAQLEWV

ClinVar aggregate classification (germline): Uncertain significance. Review status: criteria provided, multiple submitters, no conflicts (2 of 4 stars). 3 submissions from 3 submitters: Uncertain significance (3). Last evaluated 2026-01-30.

Conditions:
Autosomal recessive severe congenital neutropenia due to CSF3R deficiency. Also called: Neutropenia, severe congenital, 7, autosomal recessive. Identifiers: Orphanet 420702, MedGen C4310764, MONDO:0014865, OMIM 617014.
Inborn genetic diseases. Identifiers: MedGen C0950123, MeSH D030342.

Allele frequency attached by ClinVar (database versions not stated): ExAC 0.00001; TOPMed 0.00006; gnomAD 0.00004.
gnomAD v4.1: 14 of 1,609,342 alleles (0.00087%); highest among the groups gnomAD compares: African/African-American, 0.012%; no homozygotes.

Submissions (3):

Dasa
Classification: Uncertain significance. Last evaluated: 2026-01-30. Review status: criteria provided, single submitter. Criteria: DASA Assertion Criteria. Collection method: clinical testing. Allele origin: germline.
Comment: NM_000760.4(CSF3R):c.1613T>C (p.Ile538Thr) is a missense variant that results in the substitution of isoleucine with threonine. The affected residue or protein region has prior evidence supporting clinical relevance. This variant is rare in population databases. The currently available literature and clinical evidence are not sufficient to establish a definitive association between this variant and the reported condition. Therefore, this variant is classified as a variant of uncertain significance.

Labcorp Genetics (formerly Invitae), Labcorp
Classification: Uncertain significance for Autosomal recessive severe congenital neutropenia due to CSF3R deficiency. Last evaluated: 2025-01-24. Review status: criteria provided, single submitter. Criteria: Invitae Variant Classification Sherloc (09022015). Collection method: clinical testing. Allele origin: germline.
Comment: This sequence change replaces isoleucine, which is neutral and non-polar, with threonine, which is neutral and polar, at codon 538 of the CSF3R protein (p.Ile538Thr). This variant is present in population databases (rs756719784, gnomAD 0.007%). This variant has not been reported in the literature in individuals affected with CSF3R-related conditions. ClinVar contains an entry for this variant (Variation ID: 1041961). Invitae Evidence Modeling of protein sequence and biophysical properties (such as structural, functional, and spatial information, amino acid conservation, physicochemical variation, residue mobility, and thermodynamic stability) indicates that this missense variant is not expected to disrupt CSF3R protein function with a negative predictive value of 80%. In summary, the available evidence is currently insufficient to determine the role of this variant in disease. Therefore, it has been classified as a Variant of Uncertain Significance.

Ambry Genetics
Classification: Uncertain significance for Inborn genetic diseases. Last evaluated: 2023-04-07. Review status: criteria provided, single submitter. Criteria: Ambry Variant Classification Scheme 2023. Collection method: clinical testing. Allele origin: germline.